The following is an entry in ClinVar:

ClinVar aggregate classification (germline): Conflicting classifications of pathogenicity. Review status: criteria provided, conflicting classifications (1 of 4 stars). 8 submissions from 8 submitters: Uncertain significance (6); Likely benign (1). 1 of the submissions does not count toward it. Last evaluated 2026-01-07.

Conditions:
BRCA2-related cancer predisposition. Identifiers: MedGen CN377758, MONDO:0700269.
BRCA2-related disorder. Also called: BRCA2-related condition; BRCA2-related disorders. Identifiers: MedGen CN239275.
Hereditary cancer-predisposing syndrome. Also called: Hereditary Cancer Syndrome; Neoplastic Syndromes, Hereditary; Hereditary neoplastic syndrome; Tumor predisposition. Identifiers: Orphanet 140162, MedGen C0027672, MeSH D009386, MONDO:0015356.
Hereditary breast ovarian cancer syndrome. Also called: Hereditary breast and ovarian cancer syndrome; Breast and ovarian cancer; BRCA1- and BRCA2-Associated Hereditary Breast and Ovarian Cancer; Hereditary breast and/or ovarian cancer syndrome; Hereditary breast and ovarian cancer; Hereditary breast and ovarian cancer syndrome (HBOC). Identifiers: Orphanet 145, MedGen C0677776, MeSH D061325, MONDO:0003582. Disease mechanism: loss of function.
Breast-ovarian cancer, familial, susceptibility to, 2 (BROVCA2). Also called: BRCA2 Hereditary Breast and Ovarian Cancer. Identifiers: Orphanet 145, MedGen C2675520, MONDO:0012933, OMIM 612555. Disease mechanism: loss of function.

Allele frequency attached by ClinVar (database versions not stated): gnomAD exomes below 0.00001; TOPMed below 0.00001.
gnomAD v4.1: 1 of 1,614,190 alleles (0.000062%); highest among the groups gnomAD compares: Non-Finnish European, 0.000085%; no homozygotes.

Submissions (8):

PreventionGenetics, part of Exact Sciences
Classification: Uncertain significance for BRCA2-related condition. Last evaluated: 2026-01-07. Review status: criteria provided, single submitter. Criteria: ACMG Guidelines, 2015. Collection method: clinical testing. Allele origin: germline.
Comment: The BRCA2 c.9907A>T variant is predicted to result in the amino acid substitution p.Ser3303Cys. This variant was reported in an individual with early-onset breast cancer and/or a family history of breast or ovarian cancer (referred to as 10135A>T in Table 3, Thirthagiri et al. 2008. PubMed ID: 18627636). Experimental studies suggest this variant does not impact protein function (Sullivan et al. 2020. PubMed ID: 33314489). This variant has not been reported in a large population database, indicating this variant is rare. This variant is interpreted as uncertain in ClinVar (Variation ID: 52914). At this time, the clinical significance of this variant is uncertain due to the absence of conclusive functional and genetic evidence.

Labcorp Genetics (formerly Invitae), Labcorp
Classification: Uncertain significance for Hereditary breast ovarian cancer syndrome. Last evaluated: 2025-09-11. Review status: criteria provided, single submitter. Criteria: Invitae Variant Classification Sherloc (09022015). Collection method: clinical testing. Allele origin: germline.
Comment: This sequence change replaces serine, which is neutral and polar, with cysteine, which is neutral and slightly polar, at codon 3303 of the BRCA2 protein (p.Ser3303Cys). This variant is not present in population databases (gnomAD no frequency). This missense change has been observed in individual(s) with breast cancer (PMID: 18627636, 33314489). ClinVar contains an entry for this variant (Variation ID: 52914). Invitae Evidence Modeling of protein sequence and biophysical properties (such as structural, functional, and spatial information, amino acid conservation, physicochemical variation, residue mobility, and thermodynamic stability) indicates that this missense variant is not expected to disrupt BRCA2 protein function with a negative predictive value of 95%. Experimental studies have shown that this missense change does not substantially affect BRCA2 function (PMID: 33314489). In summary, the available evidence is currently insufficient to determine the role of this variant in disease. Therefore, it has been classified as a Variant of Uncertain Significance.

KCCC/NGS Laboratory, Kuwait Cancer Control Center
Classification: Uncertain significance for Breast-ovarian cancer, familial, susceptibility to, 2. Last evaluated: 2025-08-04. Review status: criteria provided, single submitter. Criteria: ACMG Guidelines, 2015. Collection method: clinical testing. Allele origin: germline. Inheritance: Autosomal dominant inheritance. Affected: yes. Observed: 1 heterozygote.
Comment: This sequence change replaces serine, which is neutral and polar, with cysteine, which is neutral and slightly polar, at codon 3303 of the BRCA2 protein (p.Ser3303Cys).

All of Us Research Program, National Institutes of Health
Classification: Uncertain significance for BRCA2-related cancer predisposition. Last evaluated: 2024-07-20. Review status: criteria provided, single submitter. Criteria: ACMG Guidelines, 2015. Collection method: clinical testing. Allele origin: germline. Inheritance: Autosomal dominant inheritance. Observed: 3 variant alleles, 3 heterozygotes.
Comment: This missense variant replaces serine with cysteine at codon 3303 of the BRCA2 protein. Computational prediction suggests that this variant may not impact protein structure and function (internally defined REVEL score threshold <= 0.5, PMID: 27666373). A functional study in mouse embryonic stem cells has shown this variant does not impact sensitivity to DNA damaging agents (PMID: 33314489). This variant has been reported in at least one individual affected with breast cancer (PMID: 18627636, 33471991; Leiden Open Variation Database DB-ID BRCA2_003783). This variant has not been identified in the general population by the Genome Aggregation Database (gnomAD). The available evidence is insufficient to determine the role of this variant in disease conclusively. Therefore, this variant is classified as a Variant of Uncertain Significance.

This study involves interpretation of variants in research participants for the purpose of population health screening. Participant phenotype was not available at the time of variant classification. Additional details can be found in publication PMID: 35346344, PMCID: PMC8962531

Ambry Genetics
Classification: Likely benign for Hereditary cancer-predisposing syndrome. Last evaluated: 2024-03-06. Review status: criteria provided, single submitter. Criteria: Ambry Variant Classification Scheme 2023. Collection method: clinical testing. Allele origin: germline.

Color Diagnostics, LLC DBA Color Health
Classification: Uncertain significance for Hereditary cancer-predisposing syndrome. Last evaluated: 2023-10-05. Review status: criteria provided, single submitter. Criteria: ACMG Guidelines, 2015. Collection method: clinical testing. Allele origin: germline.
Comment: This missense variant replaces serine with cysteine at codon 3303 of the BRCA2 protein. Computational prediction suggests that this variant may not impact protein structure and function (internally defined REVEL score threshold <= 0.5, PMID: 27666373). A functional study in mouse embryonic stem cells has shown this variant does not impact sensitivity to DNA damaging agents (PMID: 33314489). This variant has been reported in at least one individual affected with breast cancer (PMID: 18627636, 33471991; Leiden Open Variation Database DB-ID BRCA2_003783). This variant has not been identified in the general population by the Genome Aggregation Database (gnomAD). The available evidence is insufficient to determine the role of this variant in disease conclusively. Therefore, this variant is classified as a Variant of Uncertain Significance.

Laboratory for Molecular Medicine, Mass General Brigham Personalized Medicine
Classification: Uncertain significance. Last evaluated: 2016-06-16. Review status: criteria provided, single submitter. Criteria: LMM Criteria. Collection method: clinical testing. Allele origin: germline.
Comment: Variant identified in a genome or exome case(s) and assessed due to predicted null impact of the variant or pathogenic assertions in the literature or databases. Disclaimer: This variant has not undergone full assessment. The following are preliminary notes: Reported in 1 paper; ClinVar: 2 VUS

Breast Cancer Information Core (BIC) (BRCA2)
Classification: Uncertain significance for Breast-ovarian cancer, familial 2. Last evaluated: 2010-09-18. Review status: no assertion criteria provided. Collection method: clinical testing. Allele origin: germline. Affected: yes. Observed: 1 variant allele. Not counted in ClinVar's aggregate classification.

Literature cited by the submitters: PubMed 18627636 (cited by 4 submitters); PubMed 33314489 (cited by 3 submitters); PubMed 33471991 (cited by 3 submitters).

NM_000059.4(BRCA2):c.9907A>T (p.Ser3303Cys)

Gene: BRCA2 (BRCA2 DNA repair associated; plus strand). Cytogenetic location: 13q13.1.
Variant type: single nucleotide variant.
Coding change: c.9907A>T on transcript NM_000059.4 (MANE Select); coding-DNA position 9907, A replaced by T.
Protein change: p.Ser3303Cys; replaces serine 3303 with cysteine.
Molecular consequence: missense variant.
Genome position (GRCh38, 1-based): chr13:32,398,420, A>T. VCF-style: chr13-32398420-A-T. GRCh37 (hg19) VCF-style: chr13-32972557-A-T.
Other names: short protein forms S3303C.
Identifiers: ClinVar variation 52914 (VCV000052914.26), dbSNP rs276174930, ClinGen allele CA026328.
Genomic context (GRCh38, chr13:32,398,420, plus strand): 5'-GTTAGTCCCATTTGTACATTTGTTTCTCCGGCTGCACAGAAGGCATTTCAGCCACCAAGG[A>T]GTTGTGGCACCAAATACGAAACACCCATAAAGAAAAAAGAACTGAATTCTCCTCAGATGA-3'
Protein context (NP_000050.3, residues 3293-3313): AAQKAFQPPR[Ser3303Cys]CGTKYETPIK